The following is an entry in ClinVar:

NM_001089.3(ABCA3):c.3901C>T (p.Pro1301Ser)

Gene: ABCA3 (ATP binding cassette subfamily A member 3; minus strand). Cytogenetic location: 16p13.3.
Variant type: single nucleotide variant.
Coding change: c.3901C>T on transcript NM_001089.3 (MANE Select); coding-DNA position 3901, C replaced by T.
Protein change: p.Pro1301Ser; replaces proline 1301 with serine.
Molecular consequence: missense variant.
Genome position (GRCh38, 1-based): chr16:2,283,320, G>A on the plus strand (C>T on the coding strand, the complement: ABCA3 is on the minus strand). VCF-style: chr16-2283320-G-A. GRCh37 (hg19) VCF-style: chr16-2333321-G-A.
Other names: short protein forms P1301S.
Identifiers: ClinVar variation 4736512 (VCV004736512.1).
Genomic context (GRCh38, chr16:2,283,320, plus strand): 5'-GCAGGATGAGGTAGGCGCACCCTGAGGCGGCCATGGAGGCCACAAACCGGCCGACCCCCG[G>A]GGCGCTCCAGGCATAGAAGTTCTCCTGGTACTGGATGTCTGTGGGGCGAGGGAGTCACTG-3'
Protein context (NP_001080.2, residues 1291-1311): YQENFYAWSA[Pro1301Ser]GVGRFVASMA

ClinVar aggregate classification (germline): Uncertain significance (1 of 4 stars; one submission).

gnomAD v4.1: 1 of 1,613,168 alleles (0.000062%); no homozygotes.

Submission:

Labcorp Genetics (formerly Invitae), Labcorp
Classification: Uncertain significance. Last evaluated: 2026-01-31. Review status: criteria provided, single submitter. Criteria: Invitae Variant Classification Sherloc (09022015). Collection method: clinical testing. Allele origin: germline.
Comment: This sequence change replaces proline, which is neutral and non-polar, with serine, which is neutral and polar, at codon 1301 of the ABCA3 protein (p.Pro1301Ser). This variant is not present in population databases (gnomAD no frequency). This variant has not been reported in the literature in individuals affected with ABCA3-related conditions. An algorithm developed to predict the effect of missense changes on protein structure and function (PolyPhen-2) suggests that this variant is likely to be tolerated. In summary, the available evidence is currently insufficient to determine the role of this variant in disease. Therefore, it has been classified as a Variant of Uncertain Significance.